The following is an entry in ClinVar:

ClinVar aggregate classification (germline): Pathogenic/Likely pathogenic. Review status: criteria provided, multiple submitters, no conflicts (2 of 4 stars). 2 submissions from 2 submitters: Pathogenic (1); Likely pathogenic (1). Last evaluated 2018-07-01.

Conditions:
Tubulinopathy. Also called: Tubulinopathies. Identifiers: MedGen CN850169, MONDO:0100153.
Lissencephaly due to TUBA1A mutation (CDCBM16). Also called: CORTICAL DYSPLASIA, COMPLEX, WITH OTHER BRAIN MALFORMATIONS 16; Lissencephaly 3. Identifiers: Orphanet 171680, MedGen C4305153, MONDO:0012703, OMIM 611603.

Submissions (2):

Institute of Human Genetics, FAU Erlangen, Friedrich-Alexander-Universität Erlangen-Nürnberg
Classification: Likely pathogenic for Tubulinopathies. Last evaluated: 2018-07-01. Review status: criteria provided, single submitter. Criteria: ACMG Guidelines, 2015. Collection method: literature only. Allele origin: germline. Affected: yes. Observed: 1 variant allele.
Comment: The c.481T>G, p.(Tyr161Asp) variant has been reported as a variant of germline/unknown origin.

Genetic Services Laboratory, University of Chicago
Classification: Pathogenic for Lissencephaly 3. Last evaluated: 2014-05-30. Review status: criteria provided, single submitter. Criteria: ACMG Guidelines, 2015. Collection method: clinical testing. Allele origin: germline. Inheritance: Autosomal dominant inheritance. Affected: yes.

Literature cited by the submitters: PubMed 30744660 (cited by Institute of Human Genetics, FAU Erlangen, Friedrich-Alexander-Universität Erlangen-Nürnberg); DOI 10.1101/427948 (cited by Institute of Human Genetics, FAU Erlangen, Friedrich-Alexander-Universität Erlangen-Nürnberg).

NM_006009.4(TUBA1A):c.481T>G (p.Tyr161Asp)

Gene: TUBA1A (tubulin alpha 1a; minus strand). Cytogenetic location: 12q13.12.
Variant type: single nucleotide variant.
Coding change: c.481T>G on transcript NM_006009.4 (MANE Select); coding-DNA position 481, T replaced by G.
Protein change: p.Tyr161Asp; replaces tyrosine 161 with aspartic acid.
Molecular consequence: missense variant.
Genome position (GRCh38, 1-based): chr12:49,185,885, A>C on the plus strand (T>G on the coding strand, the complement: TUBA1A is on the minus strand). VCF-style: chr12-49185885-A-C. GRCh37 (hg19) VCF-style: chr12-49579668-A-C.
Other names: c.481T>G, p.Tyr161Asp (NM_001270399.2); c.376T>G, p.Tyr126Asp (NM_001270400.2); short protein forms Y161D, Y126D.
Identifiers: ClinVar variation 160158 (VCV000160158.7), dbSNP rs587784488, ClinGen allele CA213269.